The following is an entry in ClinVar:

ClinVar aggregate classification (germline): Uncertain significance (1 of 4 stars; one submission).

Conditions:
Ataxia-telangiectasia syndrome (AT). Also called: LOUIS-BAR SYNDROME; Cerebello-oculocutaneous telangiectasia; Immunodeficiency with ataxia telangiectasia; Ataxia telangiectasia (A-T); Ataxia-telangiectasia, complementation group D; AT, COMPLEMENTATION GROUP C. Identifiers: Orphanet 100, MedGen C0004135, MONDO:0008840, OMIM 208900.

Submission:

Labcorp Genetics (formerly Invitae), Labcorp
Classification: Uncertain significance for Ataxia-telangiectasia syndrome. Last evaluated: 2023-12-29. Review status: criteria provided, single submitter. Criteria: Invitae Variant Classification Sherloc (09022015). Collection method: clinical testing. Allele origin: germline.
Comment: This sequence change replaces glutamine, which is neutral and polar, with histidine, which is basic and polar, at codon 2522 of the ATM protein (p.Gln2522His). This variant is not present in population databases (gnomAD no frequency). This variant has not been reported in the literature in individuals affected with ATM-related conditions. An algorithm developed to predict the effect of missense changes on protein structure and function (PolyPhen-2) suggests that this variant is likely to be disruptive. In summary, the available evidence is currently insufficient to determine the role of this variant in disease. Therefore, it has been classified as a Variant of Uncertain Significance.

NM_000051.4(ATM):c.7566A>C (p.Gln2522His)

Genes: ATM (ATM serine/threonine kinase; plus strand), C11orf65 (chromosome 11 open reading frame 65; minus strand). Cytogenetic location: 11q22.3.
Variant type: single nucleotide variant.
Coding change: c.7566A>C on transcript NM_000051.4 (MANE Select); coding-DNA position 7566, A replaced by C.
Protein change: p.Gln2522His; replaces glutamine 2522 with histidine.
Molecular consequence: missense variant. On other transcripts: non-coding transcript variant (1), intron variant (2).
Genome position (GRCh38, 1-based): chr11:108,331,494, A>C. VCF-style: chr11-108331494-A-C. GRCh37 (hg19) VCF-style: chr11-108202221-A-C.
Other names: c.7566A>C, p.Gln2522His (NM_001351834.2); c.641-22423T>G (NM_001330368.2); c.*38+3726T>G (NM_001351110.2); short protein forms Q2522H.
Identifiers: ClinVar variation 2706321 (VCV002706321.1), dbSNP rs775621333, ClinGen allele CA382560741.